The following is an entry in ClinVar:

NM_001854.4(COL11A1):c.4592G>C (p.Gly1531Ala)

Gene: COL11A1 (collagen type XI alpha 1 chain; minus strand). Cytogenetic location: 1p21.1.
Variant type: single nucleotide variant.
Coding change: c.4592G>C on transcript NM_001854.4 (MANE Select); coding-DNA position 4592, G replaced by C.
Protein change: p.Gly1531Ala; replaces glycine 1531 with alanine.
Molecular consequence: missense variant. On other transcripts: non-coding transcript variant (1).
Genome position (GRCh38, 1-based): chr1:102,888,593, C>G on the plus strand (G>C on the coding strand, the complement: COL11A1 is on the minus strand). VCF-style: chr1-102888593-C-G. GRCh37 (hg19) VCF-style: chr1-103354149-C-G.
Other names: c.4475G>C, p.Gly1492Ala (NM_001190709.2); c.4628G>C, p.Gly1543Ala (NM_080629.3); c.4244G>C, p.Gly1415Ala (NM_080630.4); short protein forms G1415A, G1492A, G1531A, G1543A.
Identifiers: ClinVar variation 1492520 (VCV001492520.8), dbSNP rs2100851333, ClinGen allele CA341212284.

ClinVar aggregate classification (germline): Likely pathogenic (1 of 4 stars; one submission).

Submission:

Labcorp Genetics (formerly Invitae), Labcorp
Classification: Likely pathogenic. Last evaluated: 2021-05-31. Review status: criteria provided, single submitter. Criteria: Invitae Variant Classification Sherloc (09022015). Collection method: clinical testing. Allele origin: germline.
Comment: This variant has been observed in individual(s) with clinical features of autosomal dominant Stickler syndrome (Invitae). It has also been observed to segregate with disease in related individuals. This variant is not present in population databases (ExAC no frequency). This sequence change replaces glycine with alanine at codon 1531 of the COL11A1 protein (p.Gly1531Ala). The glycine residue is highly conserved and there is a small physicochemical difference between glycine and alanine. Advanced modeling of protein sequence and biophysical properties (such as structural, functional, and spatial information, amino acid conservation, physicochemical variation, residue mobility, and thermodynamic stability) performed at Invitae indicates that this missense variant is expected to disrupt COL11A1 protein function. In summary, the currently available evidence indicates that the variant is pathogenic, but additional data are needed to prove that conclusively. Therefore, this variant has been classified as Likely Pathogenic.